The following is an entry in ClinVar:

ClinVar aggregate classification (germline): Uncertain significance (1 of 4 stars; one submission).

Conditions:
Progressive familial heart block type IB (PFHB1B). Identifiers: Orphanet 871, MedGen C1970298, MONDO:0011474, OMIM 604559.

Submission:

Labcorp Genetics (formerly Invitae), Labcorp
Classification: Uncertain significance for Progressive familial heart block type IB. Last evaluated: 2026-01-29. Review status: criteria provided, single submitter. Criteria: Invitae Variant Classification Sherloc (09022015). Collection method: clinical testing. Allele origin: germline.
Comment: This sequence change affects codon 711 of the TRPM4 mRNA. It is a 'silent' change, meaning that it does not change the encoded amino acid sequence of the TRPM4 protein. It affects a nucleotide within the consensus splice site. This variant is not present in population databases (gnomAD no frequency). This variant has not been reported in the literature in individuals affected with TRPM4-related conditions. Algorithms developed to predict the effect of sequence changes on RNA splicing suggest that this variant is not likely to affect RNA splicing. In summary, the available evidence is currently insufficient to determine the role of this variant in disease. Therefore, it has been classified as a Variant of Uncertain Significance.

NM_017636.4(TRPM4):c.2133G>A (p.Arg711=)

Gene: TRPM4 (transient receptor potential cation channel subfamily M member 4; plus strand). Cytogenetic location: 19q13.33.
Variant type: single nucleotide variant.
Coding change: c.2133G>A on transcript NM_017636.4 (MANE Select); coding-DNA position 2133, G replaced by A.
Protein change: p.Arg711=; no amino-acid change (arginine 711 retained).
Molecular consequence: synonymous variant.
Genome position (GRCh38, 1-based): chr19:49,190,696, G>A. VCF-style: chr19-49190696-G-A. GRCh37 (hg19) VCF-style: chr19-49693953-G-A.
Other names: c.2133G>A, p.Arg711= (NM_001195227.2); c.1788G>A, p.Arg596= (NM_001321281.2); c.525G>A, p.Arg175= (NM_001321282.2); c.1611G>A, p.Arg537= (NM_001321283.2); c.1071G>A, p.Arg357= (NM_001321285.2).
Identifiers: ClinVar variation 4697002 (VCV004697002.1).